The following is an entry in ClinVar:

ClinVar aggregate classification (germline): Uncertain significance. Review status: criteria provided, multiple submitters, no conflicts (2 of 4 stars). 3 submissions from 3 submitters: Uncertain significance (2). 1 of the submissions does not count toward it. Last evaluated 2025-01-15.

Conditions:
Glycine encephalopathy. Also called: Non-ketotic hyperglycinemia; Nonketotic hyperglycinemia. Identifiers: Orphanet 407, MedGen C0751748, MONDO:0011612, HP:0008288.

Allele frequency attached by ClinVar (database versions not stated): TOPMed below 0.00001.

Submissions (3):

Labcorp Genetics (formerly Invitae), Labcorp
Classification: Uncertain significance for Glycine encephalopathy. Last evaluated: 2025-01-15. Review status: criteria provided, single submitter. Criteria: Invitae Variant Classification Sherloc (09022015). Collection method: clinical testing. Allele origin: germline.
Comment: This sequence change replaces aspartic acid, which is acidic and polar, with tyrosine, which is neutral and polar, at codon 43 of the GLDC protein (p.Asp43Tyr). This variant is not present in population databases (gnomAD no frequency). This variant has not been reported in the literature in individuals affected with GLDC-related conditions. ClinVar contains an entry for this variant (Variation ID: 1023559). Invitae Evidence Modeling of protein sequence and biophysical properties (such as structural, functional, and spatial information, amino acid conservation, physicochemical variation, residue mobility, and thermodynamic stability) indicates that this missense variant is not expected to disrupt GLDC protein function with a negative predictive value of 95%. In summary, the available evidence is currently insufficient to determine the role of this variant in disease. Therefore, it has been classified as a Variant of Uncertain Significance.

Blueprint Genetics
Classification: Uncertain significance. Last evaluated: 2020-08-12. Review status: criteria provided, single submitter. Criteria: ACMG Guidelines, 2015. Collection method: clinical testing. Allele origin: germline.

Natera, Inc.
Classification: Uncertain significance for Non-ketotic hyperglycinemia. Last evaluated: 2020-12-01. Review status: no assertion criteria provided. Collection method: clinical testing. Allele origin: germline. Not counted in ClinVar's aggregate classification.

NM_000170.3(GLDC):c.127G>T (p.Asp43Tyr)

Gene: GLDC (glycine decarboxylase; minus strand). Cytogenetic location: 9p24.1.
Variant type: single nucleotide variant.
Coding change: c.127G>T on transcript NM_000170.3 (MANE Select); coding-DNA position 127, G replaced by T.
Protein change: p.Asp43Tyr; replaces aspartic acid 43 with tyrosine.
Molecular consequence: missense variant.
Genome position (GRCh38, 1-based): chr9:6,645,373, C>A on the plus strand (G>T on the coding strand, the complement: GLDC is on the minus strand). VCF-style: chr9-6645373-C-A. GRCh37 (hg19) VCF-style: chr9-6645373-C-A.
Other names: short protein forms D43Y.
Identifiers: ClinVar variation 1023559 (VCV001023559.15), dbSNP rs1819723104, ClinGen allele CA372886967.